The following is an entry in ClinVar:

ClinVar aggregate classification (germline): Pathogenic (1 of 4 stars; one submission).

Conditions:
Renal carnitine transport defect (CDSP). Also called: Carnitine transporter deficiency; Carnitine Deficiency, Systemic; Systemic primary carnitine deficiency disease; CARNITINE DEFICIENCY, SYSTEMIC, DUE TO DEFECT IN RENAL REABSORPTION OF CARNITINE; CARNITINE TRANSPORTER, PLASMA-MEMBRANE, DEFICIENCY OF; CARNITINE UPTAKE DEFECT. Identifiers: Orphanet 158, MedGen C0342788, MONDO:0008919, OMIM 212140.

Submission:

Labcorp Genetics (formerly Invitae), Labcorp
Classification: Pathogenic for Renal carnitine transport defect. Last evaluated: 2020-10-12. Review status: criteria provided, single submitter. Criteria: Invitae Variant Classification Sherloc (09022015). Collection method: clinical testing. Allele origin: unknown.
Comment: For these reasons, this variant has been classified as Pathogenic. Loss-of-function variants in SLC22A5 are known to be pathogenic (PMID: 9916797). This variant disrupts the p.Ser280 amino acid residue in SLC22A5. Other variant(s) that disrupt this residue have been determined to be pathogenic (PMID: 28841266). This suggests that this residue is clinically significant, and that variants that disrupt this residue are likely to be disease-causing. This variant has not been reported in the literature in individuals with SLC22A5-related conditions. This variant is a deletion of the genomic region encompassing exons 5-6 and part of exons 4 and 7 (c.812_1181delinsGG) of the SLC22A5 gene. It is expected to disrupt RNA splicing and likely results in an absent or disrupted protein product.

Literature cited by the submitters: PubMed 9916797; PubMed 28841266.

NC_000005.9:g.(?_131721179)_(131726510_?)del

Gene: SLC22A5 (solute carrier family 22 member 5; plus strand). Cytogenetic location: 5q31.1.
Variant type: Deletion.
Identifiers: ClinVar variation 3246302 (VCV003246302.1).